The following is an entry in ClinVar:

NM_001111.5(ADAR):c.3547G>C (p.Gly1183Arg)

Gene: ADAR (adenosine deaminase RNA specific; minus strand). Cytogenetic location: 1q21.3.
Variant type: single nucleotide variant.
Coding change: c.3547G>C on transcript NM_001111.5 (MANE Select); coding-DNA position 3547, G replaced by C.
Protein change: p.Gly1183Arg; replaces glycine 1183 with arginine.
Molecular consequence: missense variant.
Genome position (GRCh38, 1-based): chr1:154,584,940, C>G on the plus strand (G>C on the coding strand, the complement: ADAR is on the minus strand). VCF-style: chr1-154584940-C-G. GRCh37 (hg19) VCF-style: chr1-154557416-C-G.
Other names: c.2662G>C, p.Gly888Arg (NM_001025107.3, NM_001193495.2, NM_001365046.1 and 2 more transcripts); c.3574G>C, p.Gly1192Arg (NM_001365045.1); c.2584G>C, p.Gly862Arg (NM_001365049.1); c.3469G>C, p.Gly1157Arg (NM_015840.4); c.3412G>C, p.Gly1138Arg (NM_015841.4); short protein forms G1183R, G1192R, G862R, G1138R, G1157R, G888R.
Identifiers: ClinVar variation 2121687 (VCV002121687.4), dbSNP rs2526444539, ClinGen allele CA342634723.

ClinVar aggregate classification (germline): Uncertain significance (1 of 4 stars; one submission).

Conditions:
Aicardi-Goutieres syndrome 6 (AGS6). Identifiers: Orphanet 51, MedGen C3539013, MONDO:0014007, OMIM 615010.
Symmetrical dyschromatosis of extremities (DSH). Also called: DYSCHROMATOSIS SYMMETRICA HEREDITARIA 1; RETICULATE ACROPIGMENTATION OF DOHI; SYMMETRIC DYSCHROMATOSIS OF THE EXTREMITIES; Dyschromatosis symmetrica hereditaria. Identifiers: Orphanet 41, MedGen C0406775, MONDO:0007483, OMIM 127400.

Submission:

Labcorp Genetics (formerly Invitae), Labcorp
Classification: Uncertain significance for Aicardi-Goutieres syndrome 6; Symmetrical dyschromatosis of extremities. Last evaluated: 2022-04-04. Review status: criteria provided, single submitter. Criteria: Invitae Variant Classification Sherloc (09022015). Collection method: clinical testing. Allele origin: germline.
Comment: In summary, the available evidence is currently insufficient to determine the role of this variant in disease. Therefore, it has been classified as a Variant of Uncertain Significance. Algorithms developed to predict the effect of missense changes on protein structure and function are either unavailable or do not agree on the potential impact of this missense change (SIFT: "Tolerated"; PolyPhen-2: "Possibly Damaging"; Align-GVGD: "Class C0"). This variant has not been reported in the literature in individuals affected with ADAR-related conditions. This variant is not present in population databases (gnomAD no frequency). This sequence change replaces glycine, which is neutral and non-polar, with arginine, which is basic and polar, at codon 1183 of the ADAR protein (p.Gly1183Arg).